The following is an entry in ClinVar:

ClinVar aggregate classification (germline): Uncertain significance. Review status: criteria provided, multiple submitters, no conflicts (2 of 4 stars). 2 submissions from 2 submitters: Uncertain significance (2). Last evaluated 2026-01-26.

Allele frequency attached by ClinVar (database versions not stated): gnomAD 0.00001; TOPMed 0.00001; gnomAD exomes 0.00002.
gnomAD v4.1: 37 of 1,614,058 alleles (0.0023%); highest among the groups gnomAD compares: Non-Finnish European, 0.0027%; no homozygotes.

Submissions (2):

Labcorp Genetics (formerly Invitae), Labcorp
Classification: Uncertain significance. Last evaluated: 2026-01-26. Review status: criteria provided, single submitter. Criteria: Invitae Variant Classification Sherloc (09022015). Collection method: clinical testing. Allele origin: germline.
Comment: This sequence change replaces arginine, which is basic and polar, with cysteine, which is neutral and slightly polar, at codon 198 of the NIN protein (p.Arg198Cys). This variant is present in population databases (no rsID available, gnomAD 0.01%). This variant has not been reported in the literature in individuals affected with NIN-related conditions. ClinVar contains an entry for this variant (Variation ID: 2236627). An algorithm developed to predict the effect of missense changes on protein structure and function (PolyPhen-2) suggests that this variant is likely to be disruptive. In summary, the available evidence is currently insufficient to determine the role of this variant in disease. Therefore, it has been classified as a Variant of Uncertain Significance.

Ambry Genetics
Classification: Uncertain significance. Last evaluated: 2021-07-13. Review status: criteria provided, single submitter. Criteria: Ambry Variant Classification Scheme 2023. Collection method: clinical testing. Allele origin: germline.

NM_020921.4(NIN):c.592C>T (p.Arg198Cys)

Gene: NIN (ninein; minus strand). Cytogenetic location: 14q22.1.
Variant type: single nucleotide variant.
Coding change: c.592C>T on transcript NM_020921.4 (MANE Select); coding-DNA position 592, C replaced by T.
Protein change: p.Arg198Cys; replaces arginine 198 with cysteine.
Molecular consequence: missense variant.
Genome position (GRCh38, 1-based): chr14:50,777,023, G>A on the plus strand (C>T on the coding strand, the complement: NIN is on the minus strand). VCF-style: chr14-50777023-G-A. GRCh37 (hg19) VCF-style: chr14-51243741-G-A.
Other names: c.592C>T, p.Arg198Cys (NM_016350.5, NM_182944.3, NM_182946.2); short protein forms R198C.
Identifiers: ClinVar variation 2236627 (VCV002236627.4), dbSNP rs1235793555, ClinGen allele CA389670573.